The following is an entry in ClinVar:

NM_174936.4(PCSK9):c.8C>T (p.Thr3Ile)

Gene: PCSK9 (proprotein convertase subtilisin/kexin type 9; plus strand). Cytogenetic location: 1p32.3.
Variant type: single nucleotide variant.
Coding change: c.8C>T on transcript NM_174936.4 (MANE Select); coding-DNA position 8, C replaced by T.
Protein change: p.Thr3Ile; replaces threonine 3 with isoleucine.
Molecular consequence: missense variant. On other transcripts: 5 prime UTR variant (1), non-coding transcript variant (8).
Genome position (GRCh38, 1-based): chr1:55,039,845, C>T. VCF-style: chr1-55039845-C-T. GRCh37 (hg19) VCF-style: chr1-55505518-C-T.
Other names: c.8C>T, p.Thr3Ile (NM_001407240.1, NM_001407241.1, NM_001407242.1 and 4 more transcripts); c.-727C>T (NM_001407246.1); short protein forms T3I.
Identifiers: ClinVar variation 3070392 (VCV003070392.5), dbSNP rs966100677, ClinGen allele CA340482597.

ClinVar aggregate classification (germline): Uncertain significance. Review status: criteria provided, multiple submitters, no conflicts (2 of 4 stars). 3 submissions from 3 submitters: Uncertain significance (3). Last evaluated 2024-09-16.

Conditions:
Hypercholesterolemia, autosomal dominant, 3 (FHCL3). Also called: PCSK9-Related Familial Hypercholesterolemia, Autosomal Dominant; Familial Hypercholesterolemia, Autosomal Dominant, 3; Familial hypercholesterolemia 3. Identifiers: MedGen C1863551, MONDO:0011369, OMIM 603776.
Familial hypercholesterolemia. Also called: Familial hypercholesterolaemia; Familial hypercholesterolemias. Identifiers: MedGen C0020445, MONDO:0005439.

Allele frequency attached by ClinVar (database versions not stated): TOPMed below 0.00001; gnomAD exomes 0.00001.
gnomAD v4.1: 16 of 1,565,900 alleles (0.001%); highest among the groups gnomAD compares: Non-Finnish European, 0.0014%; no homozygotes.

Submissions (3):

All of Us Research Program, National Institutes of Health
Classification: Uncertain significance for Hypercholesterolemia, autosomal dominant, 3. Last evaluated: 2024-09-16. Review status: criteria provided, single submitter. Criteria: ACMG Guidelines, 2015. Collection method: clinical testing. Allele origin: germline. Inheritance: Autosomal dominant inheritance. Observed: 2 variant alleles, 2 heterozygotes.
Comment: This missense variant replaces threonine with isoleucine at codon 3 of the PCSK9 protein. Computational prediction suggests that this variant may not impact protein structure and function (internally defined REVEL score threshold <= 0.5, PMID: 27666373). To our knowledge, functional studies have not been reported for this variant. This variant has not been reported in individuals affected with PCSK9-related disorders in the literature. This variant has not been identified in the general population by the Genome Aggregation Database (gnomAD). The available evidence is insufficient to determine the role of this variant in disease conclusively. Therefore, this variant is classified as a Variant of Uncertain Significance.

This study involves interpretation of variants in research participants for the purpose of population health screening. Participant phenotype was not available at the time of variant classification. Additional details can be found in publication PMID: 35346344, PMCID: PMC8962531

Color Diagnostics, LLC DBA Color Health
Classification: Uncertain significance for Familial hypercholesterolemia. Last evaluated: 2024-08-07. Review status: criteria provided, single submitter. Criteria: ACMG Guidelines, 2015. Collection method: clinical testing. Allele origin: germline.
Comment: This missense variant replaces threonine with isoleucine at codon 3 of the PCSK9 protein. Computational prediction tools indicate that this variant has a neutral impact on protein structure and function. To our knowledge, functional studies have not been reported for this variant. This variant has not been reported in individuals affected with PCSK9-related disorders in the literature. This variant has not been identified in the general population by the Genome Aggregation Database (gnomAD). The available evidence is insufficient to determine the role of this variant in disease conclusively. Therefore, this variant is classified as a Variant of Uncertain Significance.

Labcorp Genetics (formerly Invitae), Labcorp
Classification: Uncertain significance for Hypercholesterolemia, autosomal dominant, 3. Last evaluated: 2024-07-23. Review status: criteria provided, single submitter. Criteria: Invitae Variant Classification Sherloc (09022015). Collection method: clinical testing. Allele origin: germline.
Comment: This sequence change replaces threonine, which is neutral and polar, with isoleucine, which is neutral and non-polar, at codon 3 of the PCSK9 protein (p.Thr3Ile). This variant is not present in population databases (gnomAD no frequency). This variant has not been reported in the literature in individuals affected with PCSK9-related conditions. Advanced modeling of protein sequence and biophysical properties (such as structural, functional, and spatial information, amino acid conservation, physicochemical variation, residue mobility, and thermodynamic stability) performed at Invitae indicates that this missense variant is not expected to disrupt PCSK9 protein function with a negative predictive value of 95%. In summary, the available evidence is currently insufficient to determine the role of this variant in disease. Therefore, it has been classified as a Variant of Uncertain Significance.